The following is an entry in ClinVar:

NM_000535.7(PMS2):c.1533G>A (p.Thr511=)

Gene: PMS2 (PMS1 homolog 2, mismatch repair system component; minus strand). Cytogenetic location: 7p22.1.
Variant type: single nucleotide variant.
Coding change: c.1533G>A on transcript NM_000535.7 (MANE Select); coding-DNA position 1533, G replaced by A.
Protein change: p.Thr511=; no amino-acid change (threonine 511 retained).
Molecular consequence: synonymous variant. On other transcripts: non-coding transcript variant (1).
Genome position (GRCh38, 1-based): chr7:5,987,232, C>T on the plus strand (G>A on the coding strand, the complement: PMS2 is on the minus strand). VCF-style: chr7-5987232-C-T. GRCh37 (hg19) VCF-style: chr7-6026863-C-T.
Other names: c.1128G>A, p.Thr376= (NM_001322003.2, NM_001322004.2, NM_001322005.2 and 1 more transcripts); c.1377G>A, p.Thr459= (NM_001322006.2); c.1215G>A, p.Thr405= (NM_001322007.2, NM_001322008.2); c.972G>A, p.Thr324= (NM_001322010.2); c.600G>A, p.Thr200= (NM_001322011.2, NM_001322012.2); c.960G>A, p.Thr320= (NM_001322013.2); c.1533G>A, p.Thr511= (NM_001322014.2); c.1224G>A, p.Thr408= (NM_001322015.2).
Identifiers: ClinVar variation 186001 (VCV000186001.35), dbSNP rs542520309, ClinGen allele CA009816.

ClinVar aggregate classification (germline): Benign/Likely benign. Review status: criteria provided, multiple submitters, no conflicts (2 of 4 stars). 11 submissions from 11 submitters: Benign (3); Likely benign (8). Last evaluated 2026-08-01.

Conditions:
Hereditary nonpolyposis colorectal neoplasms. Identifiers: MedGen C0009405, MeSH D003123.
Hereditary cancer-predisposing syndrome. Also called: Hereditary neoplastic syndrome; Tumor predisposition; Neoplastic Syndromes, Hereditary; Hereditary Cancer Syndrome. Identifiers: Orphanet 140162, MedGen C0027672, MeSH D009386, MONDO:0015356.
Lynch syndrome 4 (LYNCH4). Also called: Hereditary non-polyposis colorectal cancer, type 4; Colorectal cancer, hereditary nonpolyposis, type 4. Identifiers: Orphanet 144, MedGen C1838333, MONDO:0013699, OMIM 614337. Disease mechanism: loss of function.

Allele frequency attached by ClinVar (database versions not stated): ExAC 0.00005; gnomAD 0.00011; TOPMed 0.00017; 1000 Genomes Project 0.00020; 1000 Genomes Project 30x 0.00031.

Submissions (11):

CeGaT Center for Human Genetics Tuebingen
Classification: Likely benign. Last evaluated: 2026-08-01. Review status: criteria provided, single submitter. Criteria: CeGaT Center For Human Genetics Tuebingen Variant Classification Criteria Version 2. Collection method: clinical testing. Allele origin: germline. Affected: yes. Observed: 2 variant alleles.
Comment: PMS2: BP4, BP7

Labcorp Genetics (formerly Invitae), Labcorp
Classification: Likely benign for Hereditary nonpolyposis colorectal neoplasms. Last evaluated: 2026-01-26. Review status: criteria provided, single submitter. Criteria: Invitae Variant Classification Sherloc (09022015). Collection method: clinical testing. Allele origin: germline.

Myriad Genetics, Inc.
Classification: Benign for Lynch syndrome 4. Last evaluated: 2025-01-30. Review status: criteria provided, single submitter. Criteria: Myriad Autosomal Dominant, Autosomal Recessive and X-Linked Classification Criteria (2023). Collection method: clinical testing. Allele origin: unknown.
Comment: This variant is considered benign. This variant is a silent/synonymous amino acid change and it is not expected to impact splicing.

Department of Pathology and Laboratory Medicine, Sinai Health System
Classification: Likely benign for Lynch syndrome 4. Last evaluated: 2024-10-10. Review status: criteria provided, single submitter. Criteria: ACMG Guidelines, 2015. Collection method: clinical testing. Allele origin: germline. Affected: yes.

Institute for Biomarker Research, Medical Diagnostic Laboratories, L.L.C.
Classification: Likely benign for Hereditary cancer-predisposing syndrome. Last evaluated: 2024-02-20. Review status: criteria provided, single submitter. Criteria: ACMG Guidelines, 2015. Collection method: clinical testing. Allele origin: germline.

Blueprint Genetics
Classification: Likely benign. Last evaluated: 2023-03-08. Review status: criteria provided, single submitter. Criteria: ACMG Guidelines, 2015. Collection method: clinical testing. Allele origin: germline.

Women's Health and Genetics/Laboratory Corporation of America, LabCorp
Classification: Benign. Last evaluated: 2022-03-21. Review status: criteria provided, single submitter. Criteria: LabCorp Variant Classification Summary - May 2015. Collection method: clinical testing. Allele origin: germline.

Quest Diagnostics Nichols Institute San Juan Capistrano
Classification: Likely benign. Last evaluated: 2020-01-10. Review status: criteria provided, single submitter. Criteria: Quest Diagnostics criteria. Collection method: clinical testing. Allele origin: unknown.

Color Diagnostics, LLC DBA Color Health
Classification: Likely benign for Hereditary cancer-predisposing syndrome. Last evaluated: 2015-08-03. Review status: criteria provided, single submitter. Criteria: ACMG Guidelines, 2015. Collection method: clinical testing. Allele origin: germline.

GeneDx
Classification: Benign. Last evaluated: 2015-04-24. Review status: criteria provided, single submitter. Criteria: GeneDx Variant Classification (06012015). Collection method: clinical testing. Allele origin: germline. Affected: yes.
Comment: This variant is considered likely benign or benign based on one or more of the following criteria: it is a conservative change, it occurs at a poorly conserved position in the protein, it is predicted to be benign by multiple in silico algorithms, and/or has population frequency not consistent with disease.

Ambry Genetics
Classification: Likely benign for Hereditary cancer-predisposing syndrome. Last evaluated: 2014-08-01. Review status: criteria provided, single submitter. Criteria: Ambry Variant Classification Scheme 2023. Collection method: clinical testing. Allele origin: germline.